The following is an entry in ClinVar:

ClinVar aggregate classification (germline): Pathogenic (1 of 4 stars; one submission).

Conditions:
Congenital adrenal hyperplasia due to cytochrome P450 oxidoreductase deficiency. Also called: DISORDERED STEROIDOGENESIS DUE TO POR DEFICIENCY. Identifiers: Orphanet 95699, MedGen C1860042, MONDO:0013310, OMIM 613571.

Submission:

Labcorp Genetics (formerly Invitae), Labcorp
Classification: Pathogenic for Congenital adrenal hyperplasia due to cytochrome P450 oxidoreductase deficiency. Last evaluated: 2023-09-26. Review status: criteria provided, single submitter. Criteria: Invitae Variant Classification Sherloc (09022015). Collection method: clinical testing. Allele origin: germline.
Comment: For these reasons, this variant has been classified as Pathogenic. This variant has not been reported in the literature in individuals affected with POR-related conditions. This variant is not present in population databases (gnomAD no frequency). This sequence change creates a premature translational stop signal (p.Lys484Argfs*89) in the POR gene. It is expected to result in an absent or disrupted protein product. Loss-of-function variants in POR are known to be pathogenic (PMID: 14758361, 20732302, 21741353).

Literature cited by the submitters: PubMed 14758361; PubMed 20732302; PubMed 21741353.

NM_001395413.1(POR):c.1442_1446del (p.Lys481fs)

Gene: POR (cytochrome p450 oxidoreductase; plus strand). Cytogenetic location: 7q11.23.
Variant type: Deletion.
Coding change: c.1442_1446del on transcript NM_001395413.1 (MANE Select); coding-DNA positions 1442 to 1446, 5 bases deleted (AGGCT; older notation c.1442_1446delAGGCT).
Protein change: p.Lys481fs; shifts the reading frame from lysine 481.
Molecular consequence: frameshift variant.
Genome position (GRCh38, 1-based): chr7:75,985,631-75,985,635, AGGCT deleted. VCF-style (leftmost placement, unchanged base first): chr7-75985630-AAGGCT-A. GRCh37 (hg19) VCF-style: chr7-75614948-AAGGCT-A.
Other names: c.1451_1455delAGGCT, p.Lys484Argfs (NM_000941.2, NM_000941.3); c.1442_1446del, p.Lys481fs (NM_001367562.3, NM_001382657.2, NM_001382658.3 and 1 more transcripts); c.1496_1500del, p.Lys499fs (NM_001382655.3); c.1292_1296del, p.Lys431fs (NM_001382662.3); short protein forms K499fs, K431fs, K481fs.
Identifiers: ClinVar variation 2763667 (VCV002763667.3), dbSNP rs2535408971, ClinGen allele CA2697557325.